The following is an entry in ClinVar:

NM_017780.4(CHD7):c.5902AGA[1] (p.Arg1969del)

Gene: CHD7 (chromodomain helicase DNA binding protein 7; plus strand). Cytogenetic location: 8q12.2.
Variant type: Microsatellite.
Coding change: c.5902AGA[1] on transcript NM_017780.4 (MANE Select); one copy of the 3-base unit AGA starting at c.5902; the reference has two copies in a row; one copy, 3 bases deleted; also written c.5905_5907del.
Protein change: p.Arg1969del; deletes arginine 1969.
Molecular consequence: inframe deletion. On other transcripts: frameshift variant (2), intron variant (1).
Genome position (GRCh38, 1-based): chr8:60,852,508-60,852,510, AGA deleted; deleting any 3 consecutive bases within chr8:60,852,504-60,852,510 gives the same sequence; the position shown is the placement nearest the transcript's 3' end. VCF-style (leftmost placement, unchanged base first): chr8-60852503-CAAG-C. GRCh37 (hg19) VCF-style: chr8-61765062-CAAG-C.
Other names: c.5902_5904AGA[1], p.Arg1969Glyfs (NM_017780.2); c.1717-9721_1717-9719del (NM_001316690.1); c.5905_5907del (NM_017780.2); short protein forms R1969del.
Identifiers: ClinVar variation 2507168 (VCV002507168.1), dbSNP rs2488035229, ClinGen allele CA2580617164.

ClinVar aggregate classification (germline): Likely pathogenic (1 of 4 stars; one submission).

Submission:

GeneDx
Classification: Likely pathogenic. Last evaluated: 2023-06-28. Review status: criteria provided, single submitter. Criteria: GeneDx Variant Classification Process June 2021. Collection method: clinical testing. Allele origin: germline. Affected: yes.
Comment: Not observed at significant frequency in large population cohorts (gnomAD); In-frame deletion of 1 amino acids in a non-repeat region; In silico analysis supports a deleterious effect on protein structure/function; This variant is associated with the following publications: (PMID: 21158681)